The following is an entry in ClinVar:

ClinVar aggregate classification (germline): Pathogenic (1 of 4 stars; one submission).

Conditions:
Neurofibromatosis, type 1 (NF1). Also called: NEUROFIBROMATOSIS, TYPE I, SOMATIC; VON RECKLINGHAUSEN DISEASE; Peripheral type neurofibromatosis; Neurofibromatosis, type I. Identifiers: Orphanet 636, MedGen C0027831, MONDO:0018975, OMIM 162200. Disease mechanism: loss of function.

Submission:

Labcorp Genetics (formerly Invitae), Labcorp
Classification: Pathogenic for Neurofibromatosis, type 1. Last evaluated: 2025-07-27. Review status: criteria provided, single submitter. Criteria: Invitae Variant Classification Sherloc (09022015). Collection method: clinical testing. Allele origin: germline.
Comment: This sequence change creates a premature translational stop signal (p.Glu8*) in the NF1 gene. It is expected to result in an absent or disrupted protein product. Loss-of-function variants in NF1 are known to be pathogenic (PMID: 10712197, 23913538). This variant is not present in population databases (gnomAD no frequency). This variant has not been reported in the literature in individuals affected with NF1-related conditions. For these reasons, this variant has been classified as Pathogenic.

Literature cited by the submitters: PubMed 10712197; PubMed 23913538.

NM_001042492.3(NF1):c.22G>T (p.Glu8Ter)

Genes: MIR4733HG (MIR4733 host gene; minus strand), NF1 (neurofibromin 1; plus strand), LOC111811965 (NF1 (neurofibromin 1) promoter region; plus strand). Cytogenetic location: 17q11.2.
Variant type: single nucleotide variant.
Coding change: c.22G>T on transcript NM_001042492.3 (MANE Select); coding-DNA position 22, G replaced by T.
Protein change: p.Glu8Ter; replaces glutamic acid 8 with a stop codon.
Molecular consequence: nonsense. On other transcripts: non-coding transcript variant (1).
Genome position (GRCh38, 1-based): chr17:31,095,331, G>T. VCF-style: chr17-31095331-G-T. GRCh37 (hg19) VCF-style: chr17-29422349-G-T.
Other names: c.22G>T, p.Glu8Ter (NM_000267.4, NM_001128147.3); short protein forms E8*.
Identifiers: ClinVar variation 4724021 (VCV004724021.1).